The following is an entry in ClinVar:

ClinVar aggregate classification (germline): Uncertain significance. Review status: criteria provided, multiple submitters, no conflicts (2 of 4 stars). 2 submissions from 2 submitters: Uncertain significance (2). Last evaluated 2024-05-28.

Conditions:
Inborn genetic diseases. Identifiers: MedGen C0950123, MeSH D030342.

Allele frequency attached by ClinVar (database versions not stated): gnomAD 0.00001; TOPMed 0.00001.
gnomAD v4.1: 1 of 1,613,646 alleles (0.000062%); highest among the groups gnomAD compares: African/African-American, 0.0013%; no homozygotes.

Submissions (2):

Ambry Genetics
Classification: Uncertain significance for Inborn genetic diseases. Last evaluated: 2024-05-28. Review status: criteria provided, single submitter. Criteria: Ambry Variant Classification Scheme 2023. Collection method: clinical testing. Allele origin: germline.

Labcorp Genetics (formerly Invitae), Labcorp
Classification: Uncertain significance. Last evaluated: 2023-11-17. Review status: criteria provided, single submitter. Criteria: Invitae Variant Classification Sherloc (09022015). Collection method: clinical testing. Allele origin: germline.
Comment: This sequence change replaces phenylalanine, which is neutral and non-polar, with leucine, which is neutral and non-polar, at codon 314 of the PTH1R protein (p.Phe314Leu). This variant is not present in population databases (gnomAD no frequency). This variant has not been reported in the literature in individuals affected with PTH1R-related conditions. ClinVar contains an entry for this variant (Variation ID: 1492691). Advanced modeling of protein sequence and biophysical properties (such as structural, functional, and spatial information, amino acid conservation, physicochemical variation, residue mobility, and thermodynamic stability) performed at Invitae indicates that this missense variant is not expected to disrupt PTH1R protein function with a negative predictive value of 80%. In summary, the available evidence is currently insufficient to determine the role of this variant in disease. Therefore, it has been classified as a Variant of Uncertain Significance.

NM_000316.3(PTH1R):c.942C>G (p.Phe314Leu)

Gene: PTH1R (parathyroid hormone 1 receptor; plus strand). Cytogenetic location: 3p21.31.
Variant type: single nucleotide variant.
Coding change: c.942C>G on transcript NM_000316.3 (MANE Select); coding-DNA position 942, C replaced by G.
Protein change: p.Phe314Leu; replaces phenylalanine 314 with leucine.
Molecular consequence: missense variant.
Genome position (GRCh38, 1-based): chr3:46,899,410, C>G. VCF-style: chr3-46899410-C-G. GRCh37 (hg19) VCF-style: chr3-46940900-C-G.
Other names: c.942C>G, p.Phe314Leu (NM_001184744.1); c.942C>G (NM_000316.2); short protein forms F314L.
Identifiers: ClinVar variation 1492691 (VCV001492691.9), dbSNP rs988526031, ClinGen allele CA73770365.